The following is an entry in ClinVar:

NM_006662.3(SRCAP):c.2722G>A (p.Asp908Asn)

Gene: SRCAP (Snf2 related CREBBP activator protein; plus strand). Cytogenetic location: 16p11.2.
Variant type: single nucleotide variant.
Coding change: c.2722G>A on transcript NM_006662.3 (MANE Select); coding-DNA position 2722, G replaced by A.
Protein change: p.Asp908Asn; replaces aspartic acid 908 with asparagine.
Molecular consequence: missense variant.
Genome position (GRCh38, 1-based): chr16:30,716,384, G>A. VCF-style: chr16-30716384-G-A. GRCh37 (hg19) VCF-style: chr16-30727705-G-A.
Other names: c.2722G>A (NM_006662.2); short protein forms D908N.
Identifiers: ClinVar variation 2175731 (VCV002175731.5), dbSNP rs766743134, ClinGen allele CA8011290.
Genomic context (GRCh38, chr16:30,716,384, plus strand): 5'-ATGAGCGTCATCAACATTTTGATGCAGCTGAGAAAAGTTTGCAATCATCCAAATCTGTTC[G>A]ACCCTCGACCGGTTACCTCCCCTTTCATCACCCCAGGCATCTGCTTCAGCACCGCCTCTC-3'
Protein context (NP_006653.2, residues 898-918): RKVCNHPNLF[Asp908Asn]PRPVTSPFIT

ClinVar aggregate classification (germline): Uncertain significance. Review status: criteria provided, multiple submitters, no conflicts (2 of 4 stars). 2 submissions from 2 submitters: Uncertain significance (2). Last evaluated 2026-08-27.

Conditions:
Inborn genetic diseases. Identifiers: MedGen C0950123, MeSH D030342.

Allele frequency attached by ClinVar (database versions not stated): ExAC 0.00001; gnomAD exomes below 0.00001; gnomAD 0.00001.
gnomAD v4.1: 9 of 1,613,992 alleles (0.00056%); highest among the groups gnomAD compares: Middle Eastern, 0.016%; no homozygotes.

Submissions (2):

Ambry Genetics
Classification: Uncertain significance for Inborn genetic diseases. Last evaluated: 2026-08-27. Review status: criteria provided, single submitter. Criteria: Ambry Variant Classification Scheme 2023. Collection method: clinical testing. Allele origin: germline.

Labcorp Genetics (formerly Invitae), Labcorp
Classification: Uncertain significance. Last evaluated: 2022-10-01. Review status: criteria provided, single submitter. Criteria: Invitae Variant Classification Sherloc (09022015). Collection method: clinical testing. Allele origin: germline.
Comment: Advanced modeling of protein sequence and biophysical properties (such as structural, functional, and spatial information, amino acid conservation, physicochemical variation, residue mobility, and thermodynamic stability) performed at Invitae indicates that this missense variant is not expected to disrupt SRCAP protein function. This variant has not been reported in the literature in individuals affected with SRCAP-related conditions. This variant is present in population databases (rs766743134, gnomAD 0.0009%). This sequence change replaces aspartic acid, which is acidic and polar, with asparagine, which is neutral and polar, at codon 908 of the SRCAP protein (p.Asp908Asn). In summary, the available evidence is currently insufficient to determine the role of this variant in disease. Therefore, it has been classified as a Variant of Uncertain Significance.